The following is an entry in ClinVar:

NM_001190274.2(FBXO11):c.2458A>G (p.Met820Val)

Genes: FBXO11 (F-box protein 11; minus strand), MSH6 (mutS homolog 6; plus strand). Cytogenetic location: 2p16.3.
Variant type: single nucleotide variant.
Coding change: c.2458A>G on transcript NM_001190274.2 (MANE Select); coding-DNA position 2458, A replaced by G.
Protein change: p.Met820Val; replaces methionine 820 with valine.
Molecular consequence: missense variant.
Genome position (GRCh38, 1-based): chr2:47,809,255, T>C on the plus strand (A>G on the coding strand, the complement: FBXO11 is on the minus strand). VCF-style: chr2-47809255-T-C. GRCh37 (hg19) VCF-style: chr2-48036394-T-C.
Other names: c.2206A>G, p.Met736Val (NM_001374325.1, NM_025133.4); c.2458A>G (NM_001190274.1); short protein forms M736V, M820V.
Identifiers: ClinVar variation 1298805 (VCV001298805.42), dbSNP rs747122948, ClinGen allele CA068916.

ClinVar aggregate classification (germline): Benign/Likely benign. Review status: criteria provided, multiple submitters, no conflicts (2 of 4 stars). 3 submissions from 3 submitters: Benign (1); Likely benign (2). Last evaluated 2025-10-26.

Conditions:
Inborn genetic diseases. Identifiers: MedGen C0950123, MeSH D030342.

Allele frequency attached by ClinVar (database versions not stated): gnomAD 0.00004; ExAC 0.00006; gnomAD exomes 0.00006 and 0.00011; TOPMed 0.00006.
gnomAD v4.1: 160 of 1,569,078 alleles (0.01%); highest among the groups gnomAD compares: Middle Eastern, 0.017%; no homozygotes.

Submissions (3):

Labcorp Genetics (formerly Invitae), Labcorp
Classification: Benign. Last evaluated: 2025-10-26. Review status: criteria provided, single submitter. Criteria: Invitae Variant Classification Sherloc (09022015). Collection method: clinical testing. Allele origin: germline.

CeGaT Center for Human Genetics Tuebingen
Classification: Likely benign. Last evaluated: 2024-10-01. Review status: criteria provided, single submitter. Criteria: CeGaT Center For Human Genetics Tuebingen Variant Classification Criteria Version 2. Collection method: clinical testing. Allele origin: germline. Affected: yes. Observed: 2 variant alleles.
Comment: FBXO11: PP2, BS2

Ambry Genetics
Classification: Likely benign for Inborn genetic diseases. Last evaluated: 2022-09-02. Review status: criteria provided, single submitter. Criteria: Ambry Variant Classification Scheme 2023. Collection method: clinical testing. Allele origin: germline.

Literature cited by the submitters: PubMed 28518168 (cited by Ambry Genetics); PubMed 32461654 (cited by Ambry Genetics).